The following is an entry in ClinVar:

ClinVar aggregate classification (germline): Conflicting classifications of pathogenicity. Review status: criteria provided, conflicting classifications (1 of 4 stars). 4 submissions from 4 submitters: Uncertain significance (3); Likely benign (1). Last evaluated 2025-07-10.

Conditions:
Hereditary cancer-predisposing syndrome. Also called: Hereditary neoplastic syndrome; Tumor predisposition; Hereditary Cancer Syndrome; Neoplastic Syndromes, Hereditary. Identifiers: Orphanet 140162, MedGen C0027672, MeSH D009386, MONDO:0015356.
Melanoma, cutaneous malignant, susceptibility to, 1 (CMM1). Also called: B-K MOLE SYNDROME; FAMILIAL ATYPICAL MOLE-MALIGNANT MELANOMA SYNDROME; DYSPLASTIC NEVUS SYNDROME, HEREDITARY; MELANOMA, MALIGNANT. Identifiers: Orphanet 618, MedGen C1835047, MONDO:0007963, OMIM 155600.
Peutz-Jeghers syndrome (PJS). Also called: POLYPOSIS, HAMARTOMATOUS INTESTINAL; POLYPS-AND-SPOTS SYNDROME; Peutz-Jeghers polyposis; Periorificial lentiginosis syndrome. Identifiers: Orphanet 2869, MedGen C0031269, MeSH D010580, MONDO:0008280, OMIM 175200.

Submissions (4):

Ambry Genetics
Classification: Likely benign for Hereditary cancer-predisposing syndrome. Last evaluated: 2025-07-10. Review status: criteria provided, single submitter. Criteria: Ambry Variant Classification Scheme 2023. Collection method: clinical testing. Allele origin: germline.

All of Us Research Program, National Institutes of Health
Classification: Uncertain significance for Peutz-Jeghers syndrome. Last evaluated: 2024-05-30. Review status: criteria provided, single submitter. Criteria: ACMG Guidelines, 2015. Collection method: clinical testing. Allele origin: germline. Inheritance: Autosomal dominant inheritance. Observed: 1 variant allele, 1 heterozygote.
Comment: This missense variant replaces valine with leucine at codon 4 of the STK11 protein. Computational prediction suggests that this variant may not impact protein structure and function (internally defined REVEL score threshold <= 0.5, PMID: 27666373). To our knowledge, functional studies have not been reported for this variant. This variant has not been reported in individuals affected with STK11-related disorders in the literature. This variant has not been identified in the general population by the Genome Aggregation Database (gnomAD). The available evidence is insufficient to determine the role of this variant in disease conclusively. Therefore, this variant is classified as a Variant of Uncertain Significance.

This study involves interpretation of variants in research participants for the purpose of population health screening. Participant phenotype was not available at the time of variant classification. Additional details can be found in publication PMID: 35346344, PMCID: PMC8962531

Baylor Genetics
Classification: Uncertain significance for Melanoma, cutaneous malignant, susceptibility to, 1. Last evaluated: 2024-02-15. Review status: criteria provided, single submitter. Criteria: ACMG Guidelines, 2015. Collection method: clinical testing. Allele origin: unknown.

Labcorp Genetics (formerly Invitae), Labcorp
Classification: Uncertain significance for Peutz-Jeghers syndrome. Last evaluated: 2018-04-20. Review status: criteria provided, single submitter. Criteria: Invitae Variant Classification Sherloc (09022015). Collection method: clinical testing. Allele origin: germline.
Comment: This sequence change replaces valine with leucine at codon 4 of the STK11 protein (p.Val4Leu). The valine residue is weakly conserved and there is a small physicochemical difference between valine and leucine. This variant is not present in population databases (ExAC no frequency). This variant has not been reported in the literature in individuals with STK11-related disease. Algorithms developed to predict the effect of missense changes on protein structure and function (SIFT, PolyPhen-2, Align-GVGD) all suggest that this variant is likely to be tolerated, but these predictions have not been confirmed by published functional studies and their clinical significance is uncertain. In summary, the available evidence is currently insufficient to determine the role of this variant in disease. Therefore, it has been classified as a Variant of Uncertain Significance.

NM_000455.5(STK11):c.10G>T (p.Val4Leu)

Gene: STK11 (serine/threonine kinase 11; plus strand). Cytogenetic location: 19p13.3.
Variant type: single nucleotide variant.
Coding change: c.10G>T on transcript NM_000455.5 (MANE Select); coding-DNA position 10, G replaced by T.
Protein change: p.Val4Leu; replaces valine 4 with leucine.
Molecular consequence: missense variant.
Genome position (GRCh38, 1-based): chr19:1,206,923, G>T. VCF-style: chr19-1206923-G-T. GRCh37 (hg19) VCF-style: chr19-1206922-G-T.
Other names: short protein forms V4L.
Identifiers: ClinVar variation 578236 (VCV000578236.11), dbSNP rs767300470, ClinGen allele CA402942957.